The following is an entry in ClinVar:

NM_001267550.2(TTN):c.106057G>C (p.Asp35353His)

Genes: TTN-AS1 (TTN antisense RNA 1; plus strand), TTN (titin; minus strand), LOC129935182 (ATAC-STARR-seq lymphoblastoid active region 16807; plus strand). Cytogenetic location: 2q31.2.
Variant type: single nucleotide variant.
Coding change: c.106057G>C on transcript NM_001267550.2 (MANE Select); coding-DNA position 106057, G replaced by C.
Protein change: p.Asp35353His; replaces aspartic acid 35353 with histidine.
Molecular consequence: missense variant.
Genome position (GRCh38, 1-based): chr2:178,530,558, C>G on the plus strand (G>C on the coding strand, the complement: TTN is on the minus strand). VCF-style: chr2-178530558-C-G. GRCh37 (hg19) VCF-style: chr2-179395285-C-G.
Other names: c.101134G>C, p.Asp33712His (NM_001256850.1); c.78862G>C, p.Asp26288His (NM_003319.4); c.98353G>C, p.Asp32785His (NM_133378.4); c.79237G>C, p.Asp26413His (NM_133432.3); c.79438G>C, p.Asp26480His (NM_133437.4); short protein forms D26288H, D26413H, D32785H, D35353H, D26480H, D33712H.
Identifiers: ClinVar variation 1394301 (VCV001394301.8), dbSNP rs780037060, ClinGen allele CA1985169.
Genomic context (GRCh38, chr2:178,530,558, plus strand): 5'-GTAAGTTGGTTTTAGACGTTCCACCTTCACCAGAAATCTCACAAACATATTCTCCTTGAT[C>G]AGATTCAGTGAGGTTATTGATTTTGAGCTCATAGGTACCATCTGCTGAATAATGAAACTG-3'
Protein context (NP_001254479.2, residues 35343-35363): ELKINNLTES[Asp35353His]QGEYVCEISG

ClinVar aggregate classification (germline): Uncertain significance (1 of 4 stars; one submission).

Conditions:
Dilated cardiomyopathy 1G (CMD1G). Identifiers: Orphanet 154, MedGen C1858763, MONDO:0011400, OMIM 604145.
Autosomal recessive limb-girdle muscular dystrophy type 2J (LGMDR10). Also called: Limb-girdle muscular dystrophy, type 2J; MUSCULAR DYSTROPHY, LIMB-GIRDLE, AUTOSOMAL RECESSIVE 10. Identifiers: Orphanet 140922, MedGen C1837342, MONDO:0012127, OMIM 608807.

Allele frequency attached by ClinVar (database versions not stated): gnomAD exomes below 0.00001; TOPMed below 0.00001; ExAC 0.00001.
gnomAD v4.1: 1 of 1,613,984 alleles (0.000062%); highest among the groups gnomAD compares: South Asian, 0.0011%; no homozygotes.

Submission:

Labcorp Genetics (formerly Invitae), Labcorp
Classification: Uncertain significance for Dilated cardiomyopathy 1G; Autosomal recessive limb-girdle muscular dystrophy type 2J. Last evaluated: 2020-12-02. Review status: criteria provided, single submitter. Criteria: Invitae Variant Classification Sherloc (09022015). Collection method: clinical testing. Allele origin: germline.
Comment: In summary, the available evidence is currently insufficient to determine the role of this variant in disease. Therefore, it has been classified as a Variant of Uncertain Significance. This variant is located in the M band of TTN (PMID: 25589632). Variants in this region may be relevant for neuromuscular disorders, but have not been definitively shown to cause cardiomyopathy (PMID: 23975875). Algorithms developed to predict the effect of missense changes on protein structure and function are unavailable for the TTN gene. This variant has not been reported in the literature in individuals with TTN-related conditions. This variant is present in population databases (rs780037060, ExAC 0.006%). This sequence change replaces aspartic acid with histidine at codon 35353 of the TTN protein (p.Asp35353His). There is a moderate physicochemical difference between aspartic acid and histidine.

Literature cited by the submitters: PubMed 25589632; PubMed 23975875.